The following is an entry in ClinVar:

ClinVar aggregate classification (germline): Uncertain significance (1 of 4 stars; one submission).

Conditions:
Hereditary nonpolyposis colorectal neoplasms. Identifiers: MedGen C0009405, MeSH D003123.

Submission:

Labcorp Genetics (formerly Invitae), Labcorp
Classification: Uncertain significance for Hereditary nonpolyposis colorectal neoplasms. Last evaluated: 2023-08-09. Review status: criteria provided, single submitter. Criteria: Invitae Variant Classification Sherloc (09022015). Collection method: clinical testing. Allele origin: germline.
Comment: In summary, the available evidence is currently insufficient to determine the role of this variant in disease. Therefore, it has been classified as a Variant of Uncertain Significance. Advanced modeling of protein sequence and biophysical properties (such as structural, functional, and spatial information, amino acid conservation, physicochemical variation, residue mobility, and thermodynamic stability) performed at Invitae indicates that this missense variant is not expected to disrupt PMS2 protein function. This variant has not been reported in the literature in individuals affected with PMS2-related conditions. This variant is not present in population databases (gnomAD no frequency). This sequence change replaces leucine, which is neutral and non-polar, with methionine, which is neutral and non-polar, at codon 377 of the PMS2 protein (p.Leu377Met).

NM_000535.7(PMS2):c.1129C>A (p.Leu377Met)

Gene: PMS2 (PMS1 homolog 2, mismatch repair system component; minus strand). Cytogenetic location: 7p22.1.
Variant type: single nucleotide variant.
Coding change: c.1129C>A on transcript NM_000535.7 (MANE Select); coding-DNA position 1129, C replaced by A.
Protein change: p.Leu377Met; replaces leucine 377 with methionine.
Molecular consequence: missense variant. On other transcripts: non-coding transcript variant (1), intron variant (10).
Genome position (GRCh38, 1-based): chr7:5,989,815, G>T on the plus strand (C>A on the coding strand, the complement: PMS2 is on the minus strand). VCF-style: chr7-5989815-G-T. GRCh37 (hg19) VCF-style: chr7-6029446-G-T.
Other names: c.724C>A, p.Leu242Met (NM_001018040.1, NM_001322003.2, NM_001322004.2 and 17 more transcripts); c.1315C>A, p.Leu439Met (NM_001406866.1); c.1153C>A, p.Leu385Met (NM_001406868.1); c.1021C>A, p.Leu341Met (NM_001406869.1); c.1129C>A, p.Leu377Met (NM_001406871.1, NM_001406872.1, NM_001322014.2); c.931C>A, p.Leu311Met (NM_001406873.1); c.961C>A, p.Leu321Met (NM_001406874.1); c.820C>A, p.Leu274Met (NM_001406875.1, NM_001322015.2, NM_001406877.1 and 5 more transcripts); and 13 more; short protein forms L186M, L206M, L255M, L242M, L265M, L321M, L120M, L271M.
Identifiers: ClinVar variation 2751318 (VCV002751318.3), dbSNP rs1583334058, ClinGen allele CA366742748.